The following is an entry in ClinVar:

NM_015272.5(RPGRIP1L):c.1039A>T (p.Arg347Ter)

Gene: RPGRIP1L (RPGRIP1 like; minus strand). Cytogenetic location: 16q12.2.
Variant type: single nucleotide variant.
Coding change: c.1039A>T on transcript NM_015272.5 (MANE Select); coding-DNA position 1039, A replaced by T.
Protein change: p.Arg347Ter; replaces arginine 347 with a stop codon.
Molecular consequence: nonsense.
Genome position (GRCh38, 1-based): chr16:53,671,574, T>A on the plus strand (A>T on the coding strand, the complement: RPGRIP1L is on the minus strand). VCF-style: chr16-53671574-T-A. GRCh37 (hg19) VCF-style: chr16-53705486-T-A.
Other names: c.1039A>T, p.Arg347Ter (NM_001127897.4, NM_001308334.3, NM_001330538.2); short protein forms R347*.
Identifiers: ClinVar variation 4815821 (VCV004815821.1).

ClinVar aggregate classification (germline): Likely pathogenic (1 of 4 stars; one submission).

Conditions:
Joubert syndrome. Also called: Familial aplasia of the vermis; JOUBERT-BOLTSHAUSER SYNDROME; CEREBELLOPARENCHYMAL DISORDER IV. Identifiers: Orphanet 475, MedGen C5979921, MONDO:0018772.

Submission:

Natera, Inc.
Classification: Likely pathogenic for Joubert syndrome. Last evaluated: 2025-12-17. Review status: criteria provided, single submitter. Criteria: Natera Variant Classification Schema (03/2026). Collection method: clinical testing. Allele origin: germline.
Comment: The c.1039A>T variant in RPGRIP1L is a nonsense variant predicted to introduce a stop codon at amino acid 347. This variant is expected to result in nonsense mediated decay, truncation, or a dysfunctional protein product. This variant is rare in the general population with a frequency below the threshold expected for the associated phenotype(s). Given the available evidence, this variant is classified as Likely Pathogenic.